The following is an entry in ClinVar:

ClinVar aggregate classification (germline): Uncertain significance (1 of 4 stars; one submission).

Conditions:
Autosomal recessive limb-girdle muscular dystrophy type 2O. Also called: MUSCULAR DYSTROPHY-DYSTROGLYCANOPATHY (LIMB-GIRDLE), TYPE C, 3; MUSCULAR DYSTROPHY-DYSTROGLYCANOPATHY, LIMB-GIRDLE, POMGNT1-RELATED; Limb-Girdle Muscular Dystrophy Type 3C. Identifiers: Orphanet 206564, MedGen C3150417, MONDO:0013161, OMIM 613157.
Muscular dystrophy-dystroglycanopathy (congenital with impaired intellectual development), type B, 3. Also called: Muscular dystrophy-dystroglycanopathy (congenital with intellectual disability), type B3; MUSCULAR DYSTROPHY, CONGENITAL, POMGNT1-RELATED. Identifiers: MedGen C3150412, MONDO:0013155, OMIM 613151.

Submission:

Labcorp Genetics (formerly Invitae), Labcorp
Classification: Uncertain significance for Autosomal recessive limb-girdle muscular dystrophy type 2O; Muscular dystrophy-dystroglycanopathy (congenital with impaired intellectual development), type B, 3. Last evaluated: 2019-07-22. Review status: criteria provided, single submitter. Criteria: Invitae Variant Classification Sherloc (09022015). Collection method: clinical testing. Allele origin: germline.
Comment: This sequence change replaces aspartic acid with asparagine at codon 79 of the POMGNT1 protein (p.Asp79Asn). The aspartic acid residue is highly conserved and there is a small physicochemical difference between aspartic acid and asparagine. This variant also falls at the last nucleotide of exon 3 of the POMGNT1 coding sequence, which is part of the consensus splice site for this exon. This variant is not present in population databases (ExAC no frequency). In summary, the available evidence is currently insufficient to determine the role of this variant in disease. Therefore, it has been classified as a Variant of Uncertain Significance. Nucleotide substitutions within the consensus splice site are a relatively common cause of aberrant splicing (PMID: 17576681, 9536098). Algorithms developed to predict the effect of sequence changes on RNA splicing suggest that this variant may disrupt the consensus splice site, but this prediction has not been confirmed by published transcriptional studies. Algorithms developed to predict the effect of missense changes on protein structure and function are either unavailable or do not agree on the potential impact of this missense change (SIFT: "Deleterious"; PolyPhen-2: "Benign"; Align-GVGD: "Class C0"). This variant has not been reported in the literature in individuals with POMGNT1-related conditions.

Literature cited by the submitters: PubMed 17576681; PubMed 9536098.

NM_017739.4(POMGNT1):c.235G>A (p.Asp79Asn)

Gene: POMGNT1 (protein O-linked mannose N-acetylglucosaminyltransferase 1 (beta 1,2-); minus strand). Cytogenetic location: 1p34.1.
Variant type: single nucleotide variant.
Coding change: c.235G>A on transcript NM_017739.4 (MANE Select); coding-DNA position 235, G replaced by A.
Protein change: p.Asp79Asn; replaces aspartic acid 79 with asparagine.
Molecular consequence: missense variant. On other transcripts: 5 prime UTR variant (1).
Genome position (GRCh38, 1-based): chr1:46,196,970, C>T on the plus strand (G>A on the coding strand, the complement: POMGNT1 is on the minus strand). VCF-style: chr1-46196970-C-T. GRCh37 (hg19) VCF-style: chr1-46662642-C-T.
Other names: c.235G>A, p.Asp79Asn (NM_001243766.2, NM_001410783.1); c.169G>A, p.Asp57Asn (NM_001290129.3); c.-195G>A (NM_001290130.2); short protein forms D57N, D79N.
Identifiers: ClinVar variation 963635 (VCV000963635.10), dbSNP rs1658296449, ClinGen allele CA340191810.
Genomic context (GRCh38, chr1:46,196,970, plus strand): 5'-TGCCTGCCACTCCAGCTGTGAGATCCAAGGCCCCCTACCCCATCCTTAGCCTAGCCCTAC[C>T]ATAGTCTTGCTCTGGCTCTGGGTCTTCATTGGCTTCACTGATGGCTCGCCGAGTGTCCAG-3'
Protein context (NP_060209.4, residues 69-89): NEDPEPEQDY[Asp79Asn]EALGRLEPPR